The following is an entry in ClinVar:

NM_022765.4(MICAL1):c.1558_1559delinsAG (p.Glu520Arg)

Gene: MICAL1 (microtubule associated monooxygenase, calponin and LIM domain containing 1; minus strand). Cytogenetic location: 6q21.
Variant type: Indel.
Coding change: c.1558_1559delinsAG on transcript NM_022765.4 (MANE Select); coding-DNA positions 1558 to 1559, GA replaced by AG.
Protein change: p.Glu520Arg; replaces glutamic acid 520 with arginine.
Molecular consequence: missense variant.
Genome position (GRCh38, 1-based): chr6:109,448,837-109,448,838, TC replaced by CT on the plus strand (GA replaced by AG on the coding strand, the reverse complement: MICAL1 is on the minus strand). VCF-style: chr6-109448837-TC-CT. GRCh37 (hg19) VCF-style: chr6-109770040-TC-CT.
Other names: c.1300_1301delinsAG, p.Glu434Arg (NM_001159291.2); c.1615_1616delinsAG, p.Glu539Arg (NM_001286613.2); short protein forms E539R, E434R, E520R.
Identifiers: ClinVar variation 2794896 (VCV002794896.3), dbSNP rs2482790700, ClinGen allele CA2739265941.
Genomic context (GRCh38, chr6:109,448,837, plus strand): 5'-CCATCAGCCCAGGAGGAAGACAAATCGGAGACGTGGACTCCCGGGTACCCAGCTGTCTGC[TC>CT]CTGGCACCAGCGTAGCAGCTCCTCCTGGGTGCCTGCCGACCCTGGGAAAGAAGGCTGTGC-3'
Protein context (NP_073602.3, residues 510-530): TQEELLRWCQ[Glu520Arg]QTAGYPGVHV

ClinVar aggregate classification (germline): Uncertain significance (1 of 4 stars; one submission).

Submission:

Labcorp Genetics (formerly Invitae), Labcorp
Classification: Uncertain significance. Last evaluated: 2023-10-25. Review status: criteria provided, single submitter. Criteria: Invitae Variant Classification Sherloc (09022015). Collection method: clinical testing. Allele origin: germline.
Comment: This sequence change replaces glutamic acid, which is acidic and polar, with arginine, which is basic and polar, at codon 539 of the MICAL1 protein (p.Glu539Arg). Information on the frequency of this variant in the gnomAD database is not available, as this variant may be reported differently in the database. This variant has not been reported in the literature in individuals affected with MICAL1-related conditions. An algorithm developed to predict the effect of missense changes on protein structure and function (PolyPhen-2) suggests that this variant is likely to be tolerated. In summary, the available evidence is currently insufficient to determine the role of this variant in disease. Therefore, it has been classified as a Variant of Uncertain Significance.